The following is an entry in ClinVar:

NM_007254.4(PNKP):c.152-97C>T

Gene: PNKP (polynucleotide kinase 3'-phosphatase; minus strand). Cytogenetic location: 19q13.33.
Variant type: single nucleotide variant.
Coding change: c.152-97C>T on transcript NM_007254.4 (MANE Select); 97 bases into the intron before coding-DNA position 152, C replaced by T.
Molecular consequence: intron variant.
Genome position (GRCh38, 1-based): chr19:49,866,542, G>A on the plus strand (C>T on the coding strand, the complement: PNKP is on the minus strand). VCF-style: chr19-49866542-G-A. GRCh37 (hg19) VCF-style: chr19-50369799-G-A.
Identifiers: ClinVar variation 4891202 (VCV004891202.1).
Genomic context (GRCh38, chr19:49,866,542, plus strand): 5'-TTGTGTGATTGGGTCCCTCATTTCTGGGGAGTGTGGCCTGCTTCAGGCTATAGCATCCAG[G>A]GAGTAAGAGGCAGTTTATTTCTACATGGGATTGGCTCCTTGACATGCAGTAGCCAGATAG-3'

ClinVar aggregate classification (germline): Uncertain significance (1 of 4 stars; one submission).

Submission:

Greenwood Genetic Center Diagnostic Laboratories, Greenwood Genetic Center
Classification: Uncertain significance. Last evaluated: 2026-04-08. Review status: criteria provided, single submitter. Criteria: ACMG Guidelines, 2015. Collection method: clinical testing. Allele origin: germline.
Comment: PM2